The following is an entry in ClinVar:

ClinVar aggregate classification (germline): Pathogenic. Review status: criteria provided, multiple submitters, no conflicts (2 of 4 stars). 3 submissions from 3 submitters: Pathogenic (3). Last evaluated 2025-02-11.

Conditions:
Rhabdoid tumor predisposition syndrome 2 (RTPS2). Identifiers: Orphanet 231108, Orphanet 69077, MedGen C2750074, MONDO:0013224, OMIM 613325.
Hereditary cancer-predisposing syndrome. Also called: Tumor predisposition; Neoplastic Syndromes, Hereditary; Hereditary Cancer Syndrome; Hereditary neoplastic syndrome. Identifiers: Orphanet 140162, MedGen C0027672, MeSH D009386, MONDO:0015356.

Submissions (3):

Labcorp Genetics (formerly Invitae), Labcorp
Classification: Pathogenic for Rhabdoid tumor predisposition syndrome 2. Last evaluated: 2025-02-11. Review status: criteria provided, single submitter. Criteria: Invitae Variant Classification Sherloc (09022015). Collection method: clinical testing. Allele origin: germline.
Comment: This sequence change creates a premature translational stop signal (p.Gln1304*) in the SMARCA4 gene. It is expected to result in an absent or disrupted protein product. Loss-of-function variants in SMARCA4 are known to be pathogenic (PMID: 24658001, 24658002). This variant is not present in population databases (gnomAD no frequency). This variant has not been reported in the literature in individuals affected with SMARCA4-related conditions. ClinVar contains an entry for this variant (Variation ID: 1453398). For these reasons, this variant has been classified as Pathogenic.

Ambry Genetics
Classification: Pathogenic for Hereditary cancer-predisposing syndrome. Last evaluated: 2024-01-03. Review status: criteria provided, single submitter. Criteria: Ambry Variant Classification Scheme 2023. Collection method: clinical testing. Allele origin: germline.
Comment: The p.Q1304* pathogenic mutation (also known as c.3910C>T), located in coding exon 27 of the SMARCA4 gene, results from a C to T substitution at nucleotide position 3910. This changes the amino acid from a glutamine to a stop codon within coding exon 27. This alteration has been observed in at least one individual with a personal history that is consistent with SMARCA4-related disease (Ambry internal data). This alteration is expected to result in loss of function by premature protein truncation or nonsense-mediated mRNA decay. Loss-of-function variants in SMARCA4 are known to cause rhabdoid tumor predisposition syndrome including small cell carcinoma of the ovary-hypercalcemic type (SCCOHT); however, such associations with neurodevelopmental disorders are exceedingly rare (Kosho T et al. Am J Med Genet C Semin Med Genet. 2014 Sep;166C(3):262-75; Jelinic P et al. Nat Genet. 2014 May;46(5):424-6). Based on the supporting evidence, this alteration is pathogenic for rhabdoid tumor predisposition syndrome; however, the association of this alteration with Coffin-Siris syndrome is unlikely.

Quest Diagnostics Nichols Institute San Juan Capistrano
Classification: Pathogenic. Last evaluated: 2023-06-21. Review status: criteria provided, single submitter. Criteria: Quest Diagnostics criteria. Collection method: clinical testing. Allele origin: unknown.
Comment: The SMARCA4 c.3910C>T (p.Gln1304*) variant causes the premature termination of SMARCA4 protein synthesis. This variant has not been reported in large, multi-ethnic general populations (Genome Aggregation Database). Based on the available information, this variant is classified as pathogenic.

Literature cited by the submitters: PubMed 24658001 (cited by Labcorp Genetics (formerly Invitae), Labcorp); PubMed 24658002 (cited by Labcorp Genetics (formerly Invitae), Labcorp); PubMed 31954538 (cited by Quest Diagnostics Nichols Institute San Juan Capistrano).

NM_003072.5(SMARCA4):c.3910C>T (p.Gln1304Ter)

Gene: SMARCA4 (SWI/SNF related BAF chromatin remodeling complex subunit ATPase 4; plus strand). Cytogenetic location: 19p13.2.
Variant type: single nucleotide variant.
Coding change: c.3910C>T on transcript NM_003072.5 (MANE Select); coding-DNA position 3910, C replaced by T.
Protein change: p.Gln1304Ter; replaces glutamine 1304 with a stop codon.
Molecular consequence: nonsense. On other transcripts: non-coding transcript variant (1).
Genome position (GRCh38, 1-based): chr19:11,034,159, C>T. VCF-style: chr19-11034159-C-T. GRCh37 (hg19) VCF-style: chr19-11144835-C-T.
Other names: c.3910C>T, p.Gln1304Ter (NM_001128844.3, NM_001128849.3, NM_001387283.1); c.3811C>T, p.Gln1271Ter (NM_001128845.2, NM_001128846.2, NM_001128847.4 and 2 more transcripts); c.3910C>T (NM_001128849.1); short protein forms Q1271*, Q1304*.
Identifiers: ClinVar variation 1453398 (VCV001453398.8), dbSNP rs2146678594, ClinGen allele CA404067868.